The following is an entry in ClinVar:

ClinVar aggregate classification (germline): Uncertain significance. Review status: criteria provided, multiple submitters, no conflicts (2 of 4 stars). 4 submissions from 4 submitters: Uncertain significance (3). 1 of the submissions does not count toward it. Last evaluated 2026-01-26.

Conditions:
Carcinoma of colon (CRC). Also called: Colon carcinoma; Colonic carcinoma. Identifiers: MedGen C0699790, MONDO:0002032.
Hereditary cancer-predisposing syndrome. Also called: Neoplastic Syndromes, Hereditary; Hereditary neoplastic syndrome; Hereditary Cancer Syndrome; Tumor predisposition. Identifiers: Orphanet 140162, MedGen C0027672, MeSH D009386, MONDO:0015356.
POLD1-related polyposis and colorectal cancer syndrome (CRCS10). Also called: Colorectal cancer, susceptibility to, 10; Colorectal cancer 10; COLORECTAL CANCER, SUSCEPTIBILITY TO, ON CHROMOSOME 19q. Identifiers: Orphanet 220460, MedGen C2675481, MONDO:0012953, OMIM 612591.

Allele frequency attached by ClinVar (database versions not stated): gnomAD exomes 0.00002; ExAC 0.00003.
gnomAD v4.1: 26 of 1,613,514 alleles (0.0016%); highest among the groups gnomAD compares: South Asian, 0.0088%; no homozygotes.

Submissions (4):

Labcorp Genetics (formerly Invitae), Labcorp
Classification: Uncertain significance for POLD1-related polyposis and colorectal cancer syndrome. Last evaluated: 2026-01-26. Review status: criteria provided, single submitter. Criteria: Invitae Variant Classification Sherloc (09022015). Collection method: clinical testing. Allele origin: germline.
Comment: This sequence change replaces arginine, which is basic and polar, with glutamine, which is neutral and polar, at codon 682 of the POLD1 protein (p.Arg682Gln). This variant is present in population databases (rs773665739, gnomAD 0.009%). This variant has not been reported in the literature in individuals affected with POLD1-related conditions. ClinVar contains an entry for this variant (Variation ID: 408047). Invitae Evidence Modeling of protein sequence and biophysical properties (such as structural, functional, and spatial information, amino acid conservation, physicochemical variation, residue mobility, and thermodynamic stability) indicates that this missense variant is not expected to disrupt POLD1 protein function with a negative predictive value of 80%. In summary, the available evidence is currently insufficient to determine the role of this variant in disease. Therefore, it has been classified as a Variant of Uncertain Significance.

Ambry Genetics
Classification: Uncertain significance for Hereditary cancer-predisposing syndrome. Last evaluated: 2023-12-30. Review status: criteria provided, single submitter. Criteria: Ambry Variant Classification Scheme 2023. Collection method: clinical testing. Allele origin: germline.
Comment: The p.R682Q variant (also known as c.2045G>A), located in coding exon 16 of the POLD1 gene, results from a G to A substitution at nucleotide position 2045. The arginine at codon 682 is replaced by glutamine, an amino acid with highly similar properties. This amino acid position is conserved. In addition, this alteration is predicted to be tolerated by in silico analysis. Since supporting evidence is limited at this time, the clinical significance of this alteration remains unclear.

GeneDx
Classification: Uncertain significance. Last evaluated: 2020-01-27. Review status: criteria provided, single submitter. Criteria: GeneDx Variant Classification Process June 2021. Collection method: clinical testing. Allele origin: germline. Affected: yes.
Comment: In silico analysis, which includes protein predictors and evolutionary conservation, supports that this variant does not alter protein structure/function; Has not been previously published as pathogenic or benign to our knowledge

Department of Pathology and Laboratory Medicine, Sinai Health System
Classification: Uncertain significance for Carcinoma of colon. Review status: no assertion criteria provided. Collection method: clinical testing. Allele origin: unknown. Affected: yes. Study: The Canadian Open Genetics Repository (COGR). Not counted in ClinVar's aggregate classification.
Comment: The POLD1 p.Arg682Gln variant was not identified in the literature. The variant was identified in dbSNP (rs773665739) as â€šÃ„Ãºwith uncertain significance alleleâ€šÃ„Ã¹ and ClinVar (classified as uncertain significance by Invitae). The variant was identified in control databases in 4 of 249,760 chromosomes at a frequency of 0.00002 (Genome Aggregation Database Feb 27, 2017). The variant was observed in the following populations: Latino in 3 of 34,564 chromosomes (freq: 0.00008) and European in 1 of 112,378 chromosomes (freq: 0.000009), while it was not observed in the African, Ashkenazi Jewish, East Asian, Finnish, Other or South Asian populations. The p.Arg682 residue is conserved in mammals and computational analyses (PolyPhen-2, SIFT, AlignGVGD, BLOSUM, MutationTaster) provide inconsistent predictions regarding the impact to the protein; this information is not very predictive of pathogenicity. The variant occurs outside of the splicing consensus sequence and in silico or computational prediction software programs (SpliceSiteFinder, MaxEntScan, NNSPLICE, GeneSplicer) do not predict a difference in splicing. In summary, based on the above information, the clinical significance of this variant cannot be determined with certainty at this time. This variant is classified as a variant of uncertain significance.

NM_002691.4(POLD1):c.2045G>A (p.Arg682Gln)

Gene: POLD1 (DNA polymerase delta 1, catalytic subunit; plus strand). Cytogenetic location: 19q13.33.
Variant type: single nucleotide variant.
Coding change: c.2045G>A on transcript NM_002691.4 (MANE Select); coding-DNA position 2045, G replaced by A.
Protein change: p.Arg682Gln; replaces arginine 682 with glutamine.
Molecular consequence: missense variant. On other transcripts: non-coding transcript variant (1).
Genome position (GRCh38, 1-based): chr19:50,409,557, G>A. VCF-style: chr19-50409557-G-A. GRCh37 (hg19) VCF-style: chr19-50912814-G-A.
Other names: c.2045G>A, p.Arg682Gln (NM_001256849.1); c.2123G>A, p.Arg708Gln (NM_001308632.1); short protein forms R708Q, R682Q.
Identifiers: ClinVar variation 408047 (VCV000408047.14), dbSNP rs773665739, ClinGen allele CA9596377.